The following is an entry in ClinVar:

ClinVar aggregate classification (germline): Uncertain significance. Review status: criteria provided, multiple submitters, no conflicts (2 of 4 stars). 7 submissions from 7 submitters: Uncertain significance (6). 1 of the submissions does not count toward it. Last evaluated 2025-06-18.

Conditions:
Hereditary cancer-predisposing syndrome. Also called: Hereditary neoplastic syndrome; Hereditary Cancer Syndrome; Neoplastic Syndromes, Hereditary; Tumor predisposition. Identifiers: Orphanet 140162, MedGen C0027672, MeSH D009386, MONDO:0015356.
Familial adenomatous polyposis 1 (FAP1). Also called: FAMILIAL ADENOMATOUS POLYPOSIS 1, ATTENUATED; POLYPOSIS, ADENOMATOUS INTESTINAL. Identifiers: MedGen C2713442, MONDO:0021056, OMIM 175100. Disease mechanism: loss of function.

Allele frequency attached by ClinVar (database versions not stated): gnomAD exomes below 0.00001.
gnomAD v4.1: 5 of 1,614,000 alleles (0.00031%); highest among the groups gnomAD compares: Non-Finnish European, 0.00034%; no homozygotes.

Submissions (7):

Ambry Genetics
Classification: Uncertain significance for Hereditary cancer-predisposing syndrome. Last evaluated: 2025-06-18. Review status: criteria provided, single submitter. Criteria: Ambry Variant Classification Scheme 2023. Collection method: clinical testing. Allele origin: germline.
Comment: The p.I2104V variant (also known as c.6310A>G), located in coding exon 15 of the APC gene, results from an A to G substitution at nucleotide position 6310. The isoleucine at codon 2104 is replaced by valine, an amino acid with highly similar properties. This amino acid position is conserved. In addition, in silico predictors for this gene do not accurately predict pathogenicity. Since supporting evidence is limited at this time, the clinical significance of this alteration remains unclear.

Color Diagnostics, LLC DBA Color Health
Classification: Uncertain significance for Hereditary cancer-predisposing syndrome. Last evaluated: 2024-03-06. Review status: criteria provided, single submitter. Criteria: ACMG Guidelines, 2015. Collection method: clinical testing. Allele origin: germline.
Comment: This missense variant replaces isoleucine with valine at codon 2104 of the APC protein. Computational prediction is inconclusive regarding the impact of this variant on protein structure and function (internally defined REVEL score threshold 0.5 < inconclusive < 0.7, PMID: 27666373). To our knowledge, functional studies have not been reported for this variant. This variant has not been reported in individuals affected with APC-related disorders in the literature. This variant has not been identified in the general population by the Genome Aggregation Database (gnomAD). The available evidence is insufficient to determine the role of this variant in disease conclusively. Therefore, this variant is classified as a Variant of Uncertain Significance.

Baylor Genetics
Classification: Uncertain significance for Familial adenomatous polyposis 1. Last evaluated: 2023-11-29. Review status: criteria provided, single submitter. Criteria: ACMG Guidelines, 2015. Collection method: clinical testing. Allele origin: unknown.

Labcorp Genetics (formerly Invitae), Labcorp
Classification: Uncertain significance for Familial adenomatous polyposis 1. Last evaluated: 2023-04-27. Review status: criteria provided, single submitter. Criteria: Invitae Variant Classification Sherloc (09022015). Collection method: clinical testing. Allele origin: germline.
Comment: This sequence change replaces isoleucine, which is neutral and non-polar, with valine, which is neutral and non-polar, at codon 2104 of the APC protein (p.Ile2104Val). This variant is not present in population databases (gnomAD no frequency). This variant has not been reported in the literature in individuals affected with APC-related conditions. ClinVar contains an entry for this variant (Variation ID: 236629). Advanced modeling of protein sequence and biophysical properties (such as structural, functional, and spatial information, amino acid conservation, physicochemical variation, residue mobility, and thermodynamic stability) performed at Invitae indicates that this missense variant is not expected to disrupt APC protein function. In summary, the available evidence is currently insufficient to determine the role of this variant in disease. Therefore, it has been classified as a Variant of Uncertain Significance.

Myriad Genetics, Inc.
Classification: Uncertain significance for Familial adenomatous polyposis 1. Last evaluated: 2023-02-15. Review status: criteria provided, single submitter. Criteria: Myriad Autosomal Dominant, Autosomal Recessive and X-Linked Classification Criteria (2023). Collection method: clinical testing. Allele origin: unknown.
Comment: This variant is classified as a variant of uncertain significance as there is insufficient evidence to determine its impact on protein function and/or cancer risk.

GeneDx
Classification: Uncertain significance. Last evaluated: 2020-08-26. Review status: criteria provided, single submitter. Criteria: GeneDx Variant Classification Process June 2021. Collection method: clinical testing. Allele origin: germline. Affected: yes.
Comment: Not observed in large population cohorts (Lek 2016); In silico analysis supports that this missense variant does not alter protein structure/function; Has not been previously published as pathogenic or benign to our knowledge

Counsyl
Classification: Uncertain significance for Familial adenomatous polyposis 1. Last evaluated: 2016-08-05. Review status: no assertion criteria provided. Collection method: clinical testing. Allele origin: unknown. Not counted in ClinVar's aggregate classification.

NM_000038.6(APC):c.6310A>G (p.Ile2104Val)

Gene: APC (APC regulator of Wnt signaling pathway; plus strand). Cytogenetic location: 5q22.2.
Variant type: single nucleotide variant.
Coding change: c.6310A>G on transcript NM_000038.6 (MANE Select); coding-DNA position 6310, A replaced by G.
Protein change: p.Ile2104Val; replaces isoleucine 2104 with valine.
Molecular consequence: missense variant.
Genome position (GRCh38, 1-based): chr5:112,841,904, A>G. VCF-style: chr5-112841904-A-G. GRCh37 (hg19) VCF-style: chr5-112177601-A-G.
Other names: c.6310A>G, p.Ile2104Val (NM_001127510.3, NM_001354895.2); c.6256A>G, p.Ile2086Val (NM_001127511.3); c.6364A>G, p.Ile2122Val (NM_001354896.2); c.6340A>G, p.Ile2114Val (NM_001354897.2); c.6235A>G, p.Ile2079Val (NM_001354898.2); c.6226A>G, p.Ile2076Val (NM_001354899.2); c.6187A>G, p.Ile2063Val (NM_001354900.2); c.6133A>G, p.Ile2045Val (NM_001354901.2); and 5 more; short protein forms I2086V, I2104V, I1978V, I2013V, I2076V, I2122V, I1821V, I1944V.
Identifiers: ClinVar variation 236629 (VCV000236629.25), dbSNP rs878853462, ClinGen allele CA10582330.